The following is an entry in ClinVar:

NM_004655.4(AXIN2):c.1296G>C (p.Glu432Asp)

Gene: AXIN2 (axin 2; minus strand). Cytogenetic location: 17q24.1.
Variant type: single nucleotide variant.
Coding change: c.1296G>C on transcript NM_004655.4 (MANE Select); coding-DNA position 1296, G replaced by C.
Protein change: p.Glu432Asp; replaces glutamic acid 432 with aspartic acid.
Molecular consequence: missense variant.
Genome position (GRCh38, 1-based): chr17:65,537,740, C>G on the plus strand (G>C on the coding strand, the complement: AXIN2 is on the minus strand). VCF-style: chr17-65537740-C-G. GRCh37 (hg19) VCF-style: chr17-63533858-C-G.
Other names: c.1296G>C (LRG_296t1); c.1296G>C, p.Glu432Asp (NM_001363813.1); short protein forms E432D.
Identifiers: ClinVar variation 573772 (VCV000573772.11), dbSNP rs1567756416, ClinGen allele CA400677796.

ClinVar aggregate classification (germline): Uncertain significance. Review status: criteria provided, multiple submitters, no conflicts (2 of 4 stars). 2 submissions from 2 submitters: Uncertain significance (2). Last evaluated 2026-05-14.

Conditions:
Oligodontia-cancer predisposition syndrome. Also called: TOOTH AGENESIS-COLORECTAL CANCER SYNDROME. Identifiers: Orphanet 300576, MedGen C1837750, MONDO:0012075, OMIM 608615. Disease mechanism: loss of function.
Hereditary cancer-predisposing syndrome. Also called: Tumor predisposition; Hereditary Cancer Syndrome; Neoplastic Syndromes, Hereditary; Hereditary neoplastic syndrome. Identifiers: Orphanet 140162, MedGen C0027672, MeSH D009386, MONDO:0015356.

Submissions (2):

Ambry Genetics
Classification: Uncertain significance for Hereditary cancer-predisposing syndrome. Last evaluated: 2026-05-14. Review status: criteria provided, single submitter. Criteria: Ambry Variant Classification Scheme 2023. Collection method: clinical testing. Allele origin: germline.
Comment: The p.E432D variant (also known as c.1296G>C), located in coding exon 5 of the AXIN2 gene, results from a G to C substitution at nucleotide position 1296. The glutamic acid at codon 432 is replaced by aspartic acid, an amino acid with highly similar properties. This amino acid position is conserved. In addition, this alteration is predicted to be tolerated by in silico analysis. Based on the available evidence, the clinical significance of this variant remains unclear.

Labcorp Genetics (formerly Invitae), Labcorp
Classification: Uncertain significance for Oligodontia-cancer predisposition syndrome. Last evaluated: 2023-12-22. Review status: criteria provided, single submitter. Criteria: Invitae Variant Classification Sherloc (09022015). Collection method: clinical testing. Allele origin: germline.
Comment: This sequence change replaces glutamic acid, which is acidic and polar, with aspartic acid, which is acidic and polar, at codon 432 of the AXIN2 protein (p.Glu432Asp). This variant is not present in population databases (gnomAD no frequency). This variant has not been reported in the literature in individuals affected with AXIN2-related conditions. ClinVar contains an entry for this variant (Variation ID: 573772). Advanced modeling of protein sequence and biophysical properties (such as structural, functional, and spatial information, amino acid conservation, physicochemical variation, residue mobility, and thermodynamic stability) performed at Invitae indicates that this missense variant is not expected to disrupt AXIN2 protein function with a negative predictive value of 80%. In summary, the available evidence is currently insufficient to determine the role of this variant in disease. Therefore, it has been classified as a Variant of Uncertain Significance.